The following is an entry in ClinVar:

NM_003098.3(SNTA1):c.476G>A (p.Gly159Asp)

Genes: SNTA1 (syntrophin alpha 1; minus strand), LOC130065678 (ATAC-STARR-seq lymphoblastoid active region 17731; plus strand). Cytogenetic location: 20q11.21.
Variant type: single nucleotide variant.
Coding change: c.476G>A on transcript NM_003098.3 (MANE Select); coding-DNA position 476, G replaced by A.
Protein change: p.Gly159Asp; replaces glycine 159 with aspartic acid.
Molecular consequence: missense variant.
Genome position (GRCh38, 1-based): chr20:33,438,861, C>T on the plus strand (G>A on the coding strand, the complement: SNTA1 is on the minus strand). VCF-style: chr20-33438861-C-T. GRCh37 (hg19) VCF-style: chr20-32026667-C-T.
Other names: short protein forms G159D.
Identifiers: ClinVar variation 1742950 (VCV001742950.5), dbSNP rs1231782705, ClinGen allele CA408633333.

ClinVar aggregate classification (germline): Uncertain significance. Review status: criteria provided, multiple submitters, no conflicts (2 of 4 stars). 3 submissions from 3 submitters: Uncertain significance (3). Last evaluated 2026-08-05.

Conditions:
SNTA1-related disorder. Also called: SNTA1-related condition.
Cardiovascular phenotype. Identifiers: MedGen CN230736.

Allele frequency attached by ClinVar (database versions not stated): TOPMed below 0.00001; gnomAD 0.00001.
gnomAD v4.1: 2 of 1,613,884 alleles (0.00012%); highest among the groups gnomAD compares: African/African-American, 0.0013%; no homozygotes.

Submissions (3):

PreventionGenetics, part of Exact Sciences
Classification: Uncertain significance for SNTA1-related condition. Last evaluated: 2026-08-05. Review status: criteria provided, single submitter. Criteria: ACMG Guidelines, 2015. Collection method: clinical testing. Allele origin: germline.
Comment: The SNTA1 c.476G>A variant is predicted to result in the amino acid substitution p.Gly159Asp. To our knowledge, this variant has not been reported in the literature or in a large population database (gnomAD), indicating this variant is rare. At this time, the clinical significance of this variant is uncertain due to the absence of conclusive functional and genetic evidence.

GeneDx
Classification: Uncertain significance. Last evaluated: 2026-02-04. Review status: criteria provided, single submitter. Criteria: GeneDx Variant Classification Process June 2021. Collection method: clinical testing. Allele origin: germline.
Comment: Not observed at significant frequency in large population cohorts (gnomAD); In silico analysis supports that this missense variant has a deleterious effect on protein structure/function; Has not been previously published as pathogenic or benign to our knowledge

Ambry Genetics
Classification: Uncertain significance for Cardiovascular phenotype. Last evaluated: 2019-03-13. Review status: criteria provided, single submitter. Criteria: Ambry Variant Classification Scheme 2023. Collection method: clinical testing. Allele origin: germline.
Comment: The p.G159D variant (also known as c.476G>A), located in coding exon 2 of the SNTA1 gene, results from a G to A substitution at nucleotide position 476. The glycine at codon 159 is replaced by aspartic acid, an amino acid with similar properties. This amino acid position is highly conserved in available vertebrate species. In addition, the in silico prediction for this alteration is inconclusive. Since supporting evidence is limited at this time, the clinical significance of this alteration remains unclear.